The following is an entry in ClinVar:

NM_014974.3(DIP2C):c.1769G>T (p.Cys590Phe)

Gene: DIP2C (DIP2 acetate--CoA ligase C (putative); minus strand). Cytogenetic location: 10p15.3.
Variant type: single nucleotide variant.
Coding change: c.1769G>T on transcript NM_014974.3 (MANE Select); coding-DNA position 1769, G replaced by T.
Protein change: p.Cys590Phe; replaces cysteine 590 with phenylalanine.
Molecular consequence: missense variant.
Genome position (GRCh38, 1-based): chr10:384,134, C>A on the plus strand (G>T on the coding strand, the complement: DIP2C is on the minus strand). VCF-style: chr10-384134-C-A. GRCh37 (hg19) VCF-style: chr10-430074-C-A.
Other names: short protein forms C590F.
Identifiers: ClinVar variation 2187469 (VCV002187469.4), dbSNP rs200557197, ClinGen allele CA5380748.

ClinVar aggregate classification (germline): Uncertain significance (1 of 4 stars; one submission).

Allele frequency attached by ClinVar (database versions not stated): gnomAD exomes below 0.00001; ExAC 0.00001; gnomAD 0.00001.
gnomAD v4.1: 5 of 1,609,424 alleles (0.00031%); highest among the groups gnomAD compares: Non-Finnish European, 0.00042%; no homozygotes.

Submission:

Labcorp Genetics (formerly Invitae), Labcorp
Classification: Uncertain significance. Last evaluated: 2023-02-07. Review status: criteria provided, single submitter. Criteria: Invitae Variant Classification Sherloc (09022015). Collection method: clinical testing. Allele origin: germline.
Comment: This variant is not present in population databases (gnomAD no frequency). In summary, the available evidence is currently insufficient to determine the role of this variant in disease. Therefore, it has been classified as a Variant of Uncertain Significance. Algorithms developed to predict the effect of missense changes on protein structure and function are either unavailable or do not agree on the potential impact of this missense change (SIFT: "Tolerated"; PolyPhen-2: "Possibly Damaging"; Align-GVGD: "Class C0"). This variant has not been reported in the literature in individuals affected with DIP2C-related conditions. This sequence change replaces cysteine, which is neutral and slightly polar, with phenylalanine, which is neutral and non-polar, at codon 590 of the DIP2C protein (p.Cys590Phe).